The following is an entry in ClinVar:

ClinVar aggregate classification (germline): Uncertain significance. Review status: criteria provided, multiple submitters, no conflicts (2 of 4 stars). 4 submissions from 4 submitters: Uncertain significance (4). Last evaluated 2023-04-11.

Conditions:
Cardiovascular phenotype. Identifiers: MedGen CN230736.
Catecholaminergic polymorphic ventricular tachycardia 2. Also called: CASQ2-Related Catecholaminergic Polymorphic Ventricular Tachycardia; VENTRICULAR TACHYCARDIA, STRESS-INDUCED POLYMORPHIC 2. Identifiers: Orphanet 3286, MedGen C2677794, MONDO:0012762, OMIM 611938.
Catecholaminergic polymorphic ventricular tachycardia 1. Also called: RYR2-Related Catecholaminergic Polymorphic Ventricular Tachycardia; VENTRICULAR TACHYCARDIA, STRESS-INDUCED POLYMORPHIC 1; VENTRICULAR TACHYCARDIA, CATECHOLAMINERGIC POLYMORPHIC, 1, WITH OR WITHOUT ATRIAL DYSFUNCTION AND/OR DILATED CARDIOMYOPATHY. Identifiers: Orphanet 3286, MedGen C1631597, MONDO:0011484, OMIM 604772.

Allele frequency attached by ClinVar (database versions not stated): gnomAD 0.00001; gnomAD exomes 0.00001; TOPMed 0.00001.
gnomAD v4.1: 9 of 1,612,674 alleles (0.00056%); highest among the groups gnomAD compares: Non-Finnish European, 0.00076%; no homozygotes.

Submissions (4):

Genome-Nilou Lab
Classification: Uncertain significance for Catecholaminergic polymorphic ventricular tachycardia 2. Last evaluated: 2023-04-11. Review status: criteria provided, single submitter. Criteria: ACMG Guidelines, 2015. Collection method: clinical testing. Allele origin: germline. Affected: no.

Ambry Genetics
Classification: Uncertain significance for Cardiovascular phenotype. Last evaluated: 2023-04-05. Review status: criteria provided, single submitter. Criteria: Ambry Variant Classification Scheme 2023. Collection method: clinical testing. Allele origin: germline.
Comment: The p.A130V variant (also known as c.389C>T), located in coding exon 3 of the CASQ2 gene, results from a C to T substitution at nucleotide position 389. The alanine at codon 130 is replaced by valine, an amino acid with similar properties. This amino acid position is conserved. In addition, this alteration is predicted to be tolerated by in silico analysis. Since supporting evidence is limited at this time, the clinical significance of this alteration remains unclear.

Blueprint Genetics
Classification: Uncertain significance. Last evaluated: 2022-12-28. Review status: criteria provided, single submitter. Criteria: ACMG Guidelines, 2015. Collection method: clinical testing. Allele origin: germline.

Labcorp Genetics (formerly Invitae), Labcorp
Classification: Uncertain significance for Catecholaminergic polymorphic ventricular tachycardia 1. Last evaluated: 2022-04-14. Review status: criteria provided, single submitter. Criteria: Invitae Variant Classification Sherloc (09022015). Collection method: clinical testing. Allele origin: germline.
Comment: This sequence change replaces alanine, which is neutral and non-polar, with valine, which is neutral and non-polar, at codon 130 of the CASQ2 protein (p.Ala130Val). This variant is present in population databases (no rsID available, gnomAD 0.002%). This variant has not been reported in the literature in individuals affected with CASQ2-related conditions. Algorithms developed to predict the effect of missense changes on protein structure and function are either unavailable or do not agree on the potential impact of this missense change (SIFT: "Tolerated"; PolyPhen-2: "Possibly Damaging"; Align-GVGD: "Class C0"). In summary, the available evidence is currently insufficient to determine the role of this variant in disease. Therefore, it has been classified as a Variant of Uncertain Significance.

NM_001232.4(CASQ2):c.389C>T (p.Ala130Val)

Gene: CASQ2 (calsequestrin 2; minus strand). Cytogenetic location: 1p13.1.
Variant type: single nucleotide variant.
Coding change: c.389C>T on transcript NM_001232.4 (MANE Select); coding-DNA position 389, C replaced by T.
Protein change: p.Ala130Val; replaces alanine 130 with valine.
Molecular consequence: missense variant.
Genome position (GRCh38, 1-based): chr1:115,740,759, G>A on the plus strand (C>T on the coding strand, the complement: CASQ2 is on the minus strand). VCF-style: chr1-115740759-G-A. GRCh37 (hg19) VCF-style: chr1-116283380-G-A.
Other names: short protein forms A130V.
Identifiers: ClinVar variation 2147929 (VCV002147929.5), dbSNP rs867815346, ClinGen allele CA29606219.